The following is an entry in ClinVar:

NM_015693.4(INTU):c.356G>C (p.Arg119Thr)

Gene: INTU (inturned planar cell polarity protein; plus strand). Cytogenetic location: 4q28.1.
Variant type: single nucleotide variant.
Coding change: c.356G>C on transcript NM_015693.4 (MANE Select); coding-DNA position 356, G replaced by C.
Protein change: p.Arg119Thr; replaces arginine 119 with threonine.
Molecular consequence: missense variant.
Genome position (GRCh38, 1-based): chr4:127,643,730, G>C. VCF-style: chr4-127643730-G-C. GRCh37 (hg19) VCF-style: chr4-128564885-G-C.
Other names: c.356G>C (NM_015693.3); short protein forms R119T.
Identifiers: ClinVar variation 2189393 (VCV002189393.5), dbSNP rs150630801, ClinGen allele CA3074772.
Genomic context (GRCh38, chr4:127,643,730, plus strand): 5'-ATGACTACAAAGAAAGAAAAAAGTATGAACCCAAACTCAAGCAGTTTACCAAAATTTTAA[G>C]AAGGAAAAGACTTTTACCCAAGCGCTGCAATAAAAAAAATAGCAATGACAATGGACCAGT-3'
Protein context (NP_056508.2, residues 109-129): PKLKQFTKIL[Arg119Thr]RKRLLPKRCN

ClinVar aggregate classification (germline): Uncertain significance. Review status: criteria provided, multiple submitters, no conflicts (2 of 4 stars). 2 submissions from 2 submitters: Uncertain significance (2). Last evaluated 2024-02-22.

Conditions:
Inborn genetic diseases. Identifiers: MedGen C0950123, MeSH D030342.

Allele frequency attached by ClinVar (database versions not stated): gnomAD exomes 0.00001; ExAC 0.00005; gnomAD 0.00015; TOPMed 0.00016; ESP Exome Variant Server 0.00038.
gnomAD v4.1: 42 of 1,608,594 alleles (0.0026%); highest among the groups gnomAD compares: African/African-American, 0.054%; no homozygotes.

Submissions (2):

Labcorp Genetics (formerly Invitae), Labcorp
Classification: Uncertain significance. Last evaluated: 2024-02-22. Review status: criteria provided, single submitter. Criteria: Invitae Variant Classification Sherloc (09022015). Collection method: clinical testing. Allele origin: germline.
Comment: This sequence change replaces arginine, which is basic and polar, with threonine, which is neutral and polar, at codon 119 of the INTU protein (p.Arg119Thr). This variant is present in population databases (rs150630801, gnomAD 0.04%). This variant has not been reported in the literature in individuals affected with INTU-related conditions. ClinVar contains an entry for this variant (Variation ID: 2189393). Advanced modeling of protein sequence and biophysical properties (such as structural, functional, and spatial information, amino acid conservation, physicochemical variation, residue mobility, and thermodynamic stability) performed at Invitae indicates that this missense variant is not expected to disrupt INTU protein function with a negative predictive value of 80%. In summary, the available evidence is currently insufficient to determine the role of this variant in disease. Therefore, it has been classified as a Variant of Uncertain Significance.

Ambry Genetics
Classification: Uncertain significance for Inborn genetic diseases. Last evaluated: 2022-12-27. Review status: criteria provided, single submitter. Criteria: Ambry Variant Classification Scheme 2023. Collection method: clinical testing. Allele origin: germline.